The following is an entry in ClinVar:

NM_000540.3(RYR1):c.6071C>T (p.Pro2024Leu)

Gene: RYR1 (ryanodine receptor 1; plus strand). Cytogenetic location: 19q13.2.
Variant type: single nucleotide variant.
Coding change: c.6071C>T on transcript NM_000540.3 (MANE Select); coding-DNA position 6071, C replaced by T.
Protein change: p.Pro2024Leu; replaces proline 2024 with leucine.
Molecular consequence: missense variant.
Genome position (GRCh38, 1-based): chr19:38,490,676, C>T. VCF-style: chr19-38490676-C-T. GRCh37 (hg19) VCF-style: chr19-38981316-C-T.
Other names: c.6071C>T, p.Pro2024Leu (NM_001042723.2); short protein forms P2024L.
Identifiers: ClinVar variation 1385392 (VCV001385392.6), dbSNP rs2145564410, ClinGen allele CA405660826.

ClinVar aggregate classification (germline): Uncertain significance (1 of 4 stars; one submission).

Conditions:
RYR1-related disorder. Also called: RYR1-related condition; RYR1-related disorders. Identifiers: MedGen CN239331.

Submission:

Labcorp Genetics (formerly Invitae), Labcorp
Classification: Uncertain significance for RYR1-related disorder. Last evaluated: 2022-03-18. Review status: criteria provided, single submitter. Criteria: Invitae Variant Classification Sherloc (09022015). Collection method: clinical testing. Allele origin: germline.
Comment: This sequence change replaces proline, which is neutral and non-polar, with leucine, which is neutral and non-polar, at codon 2024 of the RYR1 protein (p.Pro2024Leu). This variant is not present in population databases (gnomAD no frequency). This variant has not been reported in the literature in individuals affected with RYR1-related conditions. Algorithms developed to predict the effect of missense changes on protein structure and function are either unavailable or do not agree on the potential impact of this missense change (SIFT: "Deleterious"; PolyPhen-2: "Benign"; Align-GVGD: "Class C0"). In summary, the available evidence is currently insufficient to determine the role of this variant in disease. Therefore, it has been classified as a Variant of Uncertain Significance.